The following is an entry in ClinVar:

NM_003791.4(MBTPS1):c.3083C>T (p.Pro1028Leu)

Gene: MBTPS1 (membrane bound transcription factor peptidase, site 1; minus strand). Cytogenetic location: 16q23.3.
Variant type: single nucleotide variant.
Coding change: c.3083C>T on transcript NM_003791.4 (MANE Select); coding-DNA position 3083, C replaced by T.
Protein change: p.Pro1028Leu; replaces proline 1028 with leucine.
Molecular consequence: missense variant.
Genome position (GRCh38, 1-based): chr16:84,054,525, G>A on the plus strand (C>T on the coding strand, the complement: MBTPS1 is on the minus strand). VCF-style: chr16-84054525-G-A. GRCh37 (hg19) VCF-style: chr16-84088130-G-A.
Other names: short protein forms P1028L.
Identifiers: ClinVar variation 2042072 (VCV002042072.4), dbSNP rs1372724887, ClinGen allele CA396923790.
Genomic context (GRCh38, chr16:84,054,525, plus strand): 5'-TTTGGCGGGTGAACCTGCTGCATGAGCTGCGGGCGCTTCACCCTGGGCTTCCTCCGCTTC[G>A]GCCTGCTCTTGGCCTTGTTGATTTGTACCACAAAGAAGGCCAGGACCACCATGGCTCCCA-3'
Protein context (NP_003782.1, residues 1018-1038): VVQINKAKSR[Pro1028Leu]KRRKPRVKRP

ClinVar aggregate classification (germline): Uncertain significance (1 of 4 stars; one submission).

Allele frequency attached by ClinVar (database versions not stated): gnomAD exomes 0.00001.
gnomAD v4.1: 11 of 1,613,912 alleles (0.00068%); highest among the groups gnomAD compares: Non-Finnish European, 0.00076%; no homozygotes.

Submission:

Labcorp Genetics (formerly Invitae), Labcorp
Classification: Uncertain significance. Last evaluated: 2021-12-13. Review status: criteria provided, single submitter. Criteria: Invitae Variant Classification Sherloc (09022015). Collection method: clinical testing. Allele origin: germline.
Comment: Algorithms developed to predict the effect of missense changes on protein structure and function are either unavailable or do not agree on the potential impact of this missense change (SIFT: "Deleterious"; PolyPhen-2: "Probably Damaging"; Align-GVGD: "Class C0"). In summary, the available evidence is currently insufficient to determine the role of this variant in disease. Therefore, it has been classified as a Variant of Uncertain Significance. This sequence change replaces proline, which is neutral and non-polar, with leucine, which is neutral and non-polar, at codon 1028 of the MBTPS1 protein (p.Pro1028Leu). This variant is present in population databases (no rsID available, gnomAD 0.0009%). This variant has not been reported in the literature in individuals affected with MBTPS1-related conditions.